The following is an entry in ClinVar:

NM_001303052.2(MYT1L):c.2663C>T (p.Ala888Val)

Gene: MYT1L (myelin transcription factor 1 like; minus strand). Cytogenetic location: 2p25.3.
Variant type: single nucleotide variant.
Coding change: c.2663C>T on transcript NM_001303052.2 (MANE Select); coding-DNA position 2663, C replaced by T.
Protein change: p.Ala888Val; replaces alanine 888 with valine.
Molecular consequence: missense variant.
Genome position (GRCh38, 1-based): chr2:1,886,587, G>A on the plus strand (C>T on the coding strand, the complement: MYT1L is on the minus strand). VCF-style: chr2-1886587-G-A. GRCh37 (hg19) VCF-style: chr2-1890359-G-A.
Other names: c.2663C>T, p.Ala888Val (NM_001329844.2, NM_001329845.1, NM_001329851.3); c.2657C>T, p.Ala886Val (NM_001329846.3, NM_001329847.2, NM_001329848.1 and 3 more transcripts); short protein forms A886V, A888V.
Identifiers: ClinVar variation 3359411 (VCV003359411.1).
Genomic context (GRCh38, chr2:1,886,587, plus strand): 5'-ATTAAATCTTACTTGAGTTCTTGGGAGCTGGTGGCCAGCATACTTCGAATGCTTTTGTCC[G>A]CCAGGGGGCAGCCAGACAGACTGTAAGACAGGCCGGGACAGGCAGGTCAGTCAACTGCGA-3'
Protein context (NP_001289981.1, residues 878-898): DLITLSGCPL[Ala888Val]DKSIRSMLAT

ClinVar aggregate classification (germline): Uncertain significance (1 of 4 stars; one submission).

gnomAD v4.1: 2 of 1,581,434 alleles (0.00013%); highest among the groups gnomAD compares: Non-Finnish European, 0.000086%; no homozygotes.

Submission:

GeneDx
Classification: Uncertain significance. Last evaluated: 2023-06-06. Review status: criteria provided, single submitter. Criteria: GeneDx Variant Classification Process June 2021. Collection method: clinical testing. Allele origin: germline. Affected: yes.
Comment: Not observed at significant frequency in large population cohorts (gnomAD); In silico analysis supports that this missense variant has a deleterious effect on protein structure/function; Has not been previously published as pathogenic or benign to our knowledge